The following is an entry in ClinVar:

NM_015338.6(ASXL1):c.3476G>A (p.Ser1159Asn)

Gene: ASXL1 (ASXL transcriptional regulator 1; plus strand). Cytogenetic location: 20q11.21.
Variant type: single nucleotide variant.
Coding change: c.3476G>A on transcript NM_015338.6 (MANE Select); coding-DNA position 3476, G replaced by A.
Protein change: p.Ser1159Asn; replaces serine 1159 with asparagine.
Molecular consequence: missense variant.
Genome position (GRCh38, 1-based): chr20:32,436,188, G>A. VCF-style: chr20-32436188-G-A. GRCh37 (hg19) VCF-style: chr20-31023991-G-A.
Other names: c.3293G>A, p.Ser1098Asn (NM_001363734.1); short protein forms S1159N, S1098N.
Identifiers: ClinVar variation 3792438 (VCV003792438.1).

ClinVar aggregate classification (germline): Uncertain significance (1 of 4 stars; one submission).

Conditions:
Inborn genetic diseases. Identifiers: MedGen C0950123, MeSH D030342.

Submission:

Ambry Genetics
Classification: Uncertain significance for Inborn genetic diseases. Last evaluated: 2025-01-17. Review status: criteria provided, single submitter. Criteria: Ambry Variant Classification Scheme 2023. Collection method: clinical testing. Allele origin: germline.
Comment: The p.S1159N variant (also known as c.3476G>A), located in coding exon 13 of the ASXL1 gene, results from a G to A substitution at nucleotide position 3476. The serine at codon 1159 is replaced by asparagine, an amino acid with highly similar properties. This amino acid position is conserved. In addition, this alteration is predicted to be tolerated by in silico analysis. Based on the available evidence, the clinical significance of this variant remains unclear.